The following is an entry in ClinVar:

ClinVar aggregate classification (germline): Uncertain significance (1 of 4 stars; one submission).

Conditions:
Familial cancer of breast. Also called: Hereditary breast cancer; BREAST CANCER, FAMILIAL; hereditary breast carcinoma. Identifiers: Orphanet 227535, MedGen C0346153, MONDO:0016419, OMIM 114480. Disease mechanism: loss of function.
Fanconi anemia complementation group J. Also called: BRIP1-Related Fanconi Anemia. Identifiers: Orphanet 84, MedGen C1836860, MONDO:0012187, OMIM 609054.

Submission:

Labcorp Genetics (formerly Invitae), Labcorp
Classification: Uncertain significance for Familial cancer of breast; Fanconi anemia complementation group J. Last evaluated: 2025-12-01. Review status: criteria provided, single submitter. Criteria: Invitae Variant Classification Sherloc (09022015). Collection method: clinical testing. Allele origin: germline.
Comment: This sequence change replaces arginine, which is basic and polar, with proline, which is neutral and non-polar, at codon 855 of the BRIP1 protein (p.Arg855Pro). This variant is not present in population databases (gnomAD no frequency). This missense change has been observed in individual(s) with breast cancer (PMID: 26709662). ClinVar contains an entry for this variant (Variation ID: 3748294). Invitae Evidence Modeling of protein sequence and biophysical properties (such as structural, functional, and spatial information, amino acid conservation, physicochemical variation, residue mobility, and thermodynamic stability) has been performed for this missense variant. However, the output from this modeling did not meet the statistical confidence thresholds required to predict the impact of this variant on BRIP1 protein function. In summary, the available evidence is currently insufficient to determine the role of this variant in disease. Therefore, it has been classified as a Variant of Uncertain Significance.

Literature cited by the submitters: PubMed 26709662.

NM_032043.3(BRIP1):c.2564G>C (p.Arg855Pro)

Gene: BRIP1 (BRCA1 interacting DNA helicase 1; minus strand). Cytogenetic location: 17q23.2.
Variant type: single nucleotide variant.
Coding change: c.2564G>C on transcript NM_032043.3 (MANE Select); coding-DNA position 2564, G replaced by C.
Protein change: p.Arg855Pro; replaces arginine 855 with proline.
Molecular consequence: missense variant.
Genome position (GRCh38, 1-based): chr17:61,693,441, C>G on the plus strand (G>C on the coding strand, the complement: BRIP1 is on the minus strand). VCF-style: chr17-61693441-C-G. GRCh37 (hg19) VCF-style: chr17-59770802-C-G.
Other names: short protein forms R855P.
Identifiers: ClinVar variation 3748294 (VCV003748294.2).